The following is an entry in ClinVar:

ClinVar aggregate classification (germline): Uncertain significance (1 of 4 stars; one submission).

Conditions:
Inborn genetic diseases. Identifiers: MedGen C0950123, MeSH D030342.

Submission:

Ambry Genetics
Classification: Uncertain significance for Inborn genetic diseases. Last evaluated: 2022-06-08. Review status: criteria provided, single submitter. Criteria: Ambry Variant Classification Scheme 2023. Collection method: clinical testing. Allele origin: germline.
Comment: The p.D217N variant (also known as c.649G>A), located in coding exon 6 of the LRRK2 gene, results from a G to A substitution at nucleotide position 649. The aspartic acid at codon 217 is replaced by asparagine, an amino acid with highly similar properties. This amino acid position is conserved. In addition, this alteration is predicted to be tolerated by in silico analysis. Since supporting evidence is limited at this time, the clinical significance of this alteration remains unclear.

NM_198578.4(LRRK2):c.649G>A (p.Asp217Asn)

Gene: LRRK2 (leucine rich repeat kinase 2; plus strand). Cytogenetic location: 12q12.
Variant type: single nucleotide variant.
Coding change: c.649G>A on transcript NM_198578.4 (MANE Select); coding-DNA position 649, G replaced by A.
Protein change: p.Asp217Asn; replaces aspartic acid 217 with asparagine.
Molecular consequence: missense variant.
Genome position (GRCh38, 1-based): chr12:40,240,560, G>A. VCF-style: chr12-40240560-G-A. GRCh37 (hg19) VCF-style: chr12-40634362-G-A.
Other names: short protein forms D217N.
Identifiers: ClinVar variation 1753882 (VCV001753882.2), dbSNP rs2499436475, ClinGen allele CA384404795.